The following is an entry in ClinVar:

NM_002485.5(NBN):c.587T>A (p.Phe196Tyr)

Gene: NBN (nibrin; minus strand). Cytogenetic location: 8q21.3.
Variant type: single nucleotide variant.
Coding change: c.587T>A on transcript NM_002485.5 (MANE Select); coding-DNA position 587, T replaced by A.
Protein change: p.Phe196Tyr; replaces phenylalanine 196 with tyrosine.
Molecular consequence: missense variant.
Genome position (GRCh38, 1-based): chr8:89,971,288, A>T on the plus strand (T>A on the coding strand, the complement: NBN is on the minus strand). VCF-style: chr8-89971288-A-T. GRCh37 (hg19) VCF-style: chr8-90983516-A-T.
Other names: c.341T>A, p.Phe114Tyr (NM_001024688.3); c.587T>A (NM_002485.4); short protein forms F114Y, F196Y.
Identifiers: ClinVar variation 1022565 (VCV001022565.9), dbSNP rs1811508521, ClinGen allele CA371659338.
Genomic context (GRCh38, chr8:89,971,288, plus strand): 5'-TGCCGTCCTGACAGATCAACATTTTTACTTCCAATAGATGGTTCATCAAGAGGTGGGTAA[A>T]AACTGTAAAAATAATTAAAGTATATTCTAATTATATACTACTATGTTTGCTATTAAATTG-3'
Protein context (NP_002476.2, residues 186-206): SKKQPPQIES[Phe196Tyr]YPPLDEPSIG

ClinVar aggregate classification (germline): Uncertain significance. Review status: criteria provided, multiple submitters, no conflicts (2 of 4 stars). 2 submissions from 2 submitters: Uncertain significance (2). Last evaluated 2025-04-28.

Conditions:
Microcephaly, normal intelligence and immunodeficiency (NBS). Also called: BERLIN BREAKAGE SYNDROME; Immunodeficiency, microcephaly with normal intelligence; Nijmegen breakage syndrome; Microcephaly with normal intelligence immunodeficiency and lymphoreticular malignancies; Nonsyndromal microcephaly autosomal recessive with normal intelligence; Seemanova syndrome 2. Identifiers: Orphanet 647, MedGen C0398791, MONDO:0009623, OMIM 251260.
Hereditary cancer-predisposing syndrome. Also called: Hereditary neoplastic syndrome; Neoplastic Syndromes, Hereditary; Tumor predisposition; Hereditary Cancer Syndrome. Identifiers: Orphanet 140162, MedGen C0027672, MeSH D009386, MONDO:0015356.

Submissions (2):

Ambry Genetics
Classification: Uncertain significance for Hereditary cancer-predisposing syndrome. Last evaluated: 2025-04-28. Review status: criteria provided, single submitter. Criteria: Ambry Variant Classification Scheme 2023. Collection method: clinical testing. Allele origin: germline.
Comment: The p.F196Y variant (also known as c.587T>A), located in coding exon 6 of the NBN gene, results from a T to A substitution at nucleotide position 587. The phenylalanine at codon 196 is replaced by tyrosine, an amino acid with highly similar properties. This amino acid position is conserved. In addition, the in silico prediction for this alteration is inconclusive. Since supporting evidence is limited at this time, the clinical significance of this alteration remains unclear.

Labcorp Genetics (formerly Invitae), Labcorp
Classification: Uncertain significance for Microcephaly, normal intelligence and immunodeficiency. Last evaluated: 2021-09-01. Review status: criteria provided, single submitter. Criteria: Invitae Variant Classification Sherloc (09022015). Collection method: clinical testing. Allele origin: germline.
Comment: This sequence change replaces phenylalanine with tyrosine at codon 196 of the NBN protein (p.Phe196Tyr). The phenylalanine residue is highly conserved and there is a small physicochemical difference between phenylalanine and tyrosine. This variant is not present in population databases (ExAC no frequency). This variant has not been reported in the literature in individuals affected with NBN-related conditions. Algorithms developed to predict the effect of missense changes on protein structure and function (SIFT, PolyPhen-2, Align-GVGD) all suggest that this variant is likely to be tolerated. In summary, the available evidence is currently insufficient to determine the role of this variant in disease. Therefore, it has been classified as a Variant of Uncertain Significance.